The following is an entry in ClinVar:

ClinVar aggregate classification (germline): Uncertain significance (1 of 4 stars; one submission).

Submission:

Ambry Genetics
Classification: Uncertain significance. Last evaluated: 2022-09-20. Review status: criteria provided, single submitter. Criteria: Ambry Variant Classification Scheme 2023. Collection method: clinical testing. Allele origin: germline.
Comment: The p.M236L variant (also known as c.706A>C), located in coding exon 8 of the BUB1 gene, results from an A to C substitution at nucleotide position 706. The methionine at codon 236 is replaced by leucine, an amino acid with highly similar properties. This amino acid position is conserved. In addition, the in silico prediction for this alteration is inconclusive. Since supporting evidence is limited at this time, the clinical significance of this alteration remains unclear.

NM_004336.5(BUB1):c.706A>C (p.Met236Leu)

Gene: BUB1 (BUB1 mitotic checkpoint serine/threonine kinase; minus strand). Cytogenetic location: 2q13.
Variant type: single nucleotide variant.
Coding change: c.706A>C on transcript NM_004336.5 (MANE Select); coding-DNA position 706, A replaced by C.
Protein change: p.Met236Leu; replaces methionine 236 with leucine.
Molecular consequence: missense variant.
Genome position (GRCh38, 1-based): chr2:110,667,620, T>G on the plus strand (A>C on the coding strand, the complement: BUB1 is on the minus strand). VCF-style: chr2-110667620-T-G. GRCh37 (hg19) VCF-style: chr2-111425197-T-G.
Other names: c.646A>C, p.Met216Leu (NM_001278616.2); c.706A>C, p.Met236Leu (NM_001278617.2); short protein forms M236L, M216L.
Identifiers: ClinVar variation 1756979 (VCV001756979.2), dbSNP rs1389987904, ClinGen allele CA348217783.
Genomic context (GRCh38, chr2:110,667,620, plus strand): 5'-CTCTCAATTCTTCAAAGGAAAATTCTGATTCCCCACGAATAAGCTTCTCCTTGCAATACA[T>G]AACAACCTGCTCAACATCAACTTTGGATGCCAAAGATGAGTGCACAGAATATTCTGATTT-3'
Protein context (NP_004327.1, residues 226-246): ASKVDVEQVV[Met236Leu]YCKEKLIRGE